The following is an entry in ClinVar:

ClinVar aggregate classification (germline): Uncertain significance. Review status: criteria provided, multiple submitters, no conflicts (2 of 4 stars). 4 submissions from 4 submitters: Uncertain significance (3). 1 of the submissions does not count toward it. Last evaluated 2025-09-02.

Conditions:
Dubin-Johnson syndrome (DJS). Also called: HYPERBILIRUBINEMIA, DUBIN-JOHNSON TYPE; Jaundice, Chronic Idiopathic; Hyperbilirubinemia type 2. Identifiers: Orphanet 234, MedGen C0022350, MONDO:0009380, OMIM 237500.
ABCC2-related disorder. Also called: ABCC2-related condition.

Allele frequency attached by ClinVar (database versions not stated): gnomAD 0.00002 and 0.00003; TOPMed 0.00002; gnomAD exomes 0.00003; ExAC 0.00006; ESP Exome Variant Server 0.00008; 1000 Genomes Project 30x 0.00016; 1000 Genomes Project 0.00020.
gnomAD v4.1: 48 of 1,614,148 alleles (0.003%); highest among the groups gnomAD compares: Non-Finnish European, 0.0033%; no homozygotes.

Submissions (4):

Labcorp Genetics (formerly Invitae), Labcorp
Classification: Uncertain significance. Last evaluated: 2025-09-02. Review status: criteria provided, single submitter. Criteria: Invitae Variant Classification Sherloc (09022015). Collection method: clinical testing. Allele origin: germline.
Comment: This sequence change replaces threonine, which is neutral and polar, with isoleucine, which is neutral and non-polar, at codon 553 of the ABCC2 protein (p.Thr553Ile). This variant is present in population databases (rs191954987, gnomAD 0.006%). This variant has not been reported in the literature in individuals affected with ABCC2-related conditions. ClinVar contains an entry for this variant (Variation ID: 877964). Invitae Evidence Modeling of protein sequence and biophysical properties (such as structural, functional, and spatial information, amino acid conservation, physicochemical variation, residue mobility, and thermodynamic stability) indicates that this missense variant is not expected to disrupt ABCC2 protein function with a negative predictive value of 95%. In summary, the available evidence is currently insufficient to determine the role of this variant in disease. Therefore, it has been classified as a Variant of Uncertain Significance.

CeGaT Center for Human Genetics Tuebingen
Classification: Uncertain significance. Last evaluated: 2023-05-01. Review status: criteria provided, single submitter. Criteria: CeGaT Center For Human Genetics Tuebingen Variant Classification Criteria Version 2. Collection method: clinical testing. Allele origin: germline. Affected: yes. Observed: 1 variant allele.
Comment: ABCC2: PM2

Illumina Laboratory Services, Illumina
Classification: Uncertain significance for Dubin-Johnson syndrome. Last evaluated: 2017-04-27. Review status: criteria provided, single submitter. Criteria: ICSL Variant Classification Criteria 13 December 2019. Collection method: clinical testing. Allele origin: germline.

PreventionGenetics, part of Exact Sciences
Classification: Uncertain significance for ABCC2-related condition. Last evaluated: 2023-11-27. Review status: no assertion criteria provided. Collection method: clinical testing. Allele origin: germline. Not counted in ClinVar's aggregate classification.
Comment: The ABCC2 c.1658C>T variant is predicted to result in the amino acid substitution p.Thr553Ile. To our knowledge, this variant has not been reported in the literature. This variant is reported in 0.0071% of alleles in individuals of European (Non-Finnish) descent in gnomAD. At this time, the clinical significance of this variant is uncertain due to the absence of conclusive functional and genetic evidence.

NM_000392.5(ABCC2):c.1658C>T (p.Thr553Ile)

Gene: ABCC2 (ATP binding cassette subfamily C member 2; plus strand). Cytogenetic location: 10q24.2.
Variant type: single nucleotide variant.
Coding change: c.1658C>T on transcript NM_000392.5 (MANE Select); coding-DNA position 1658, C replaced by T.
Protein change: p.Thr553Ile; replaces threonine 553 with isoleucine.
Molecular consequence: missense variant.
Genome position (GRCh38, 1-based): chr10:99,807,511, C>T. VCF-style: chr10-99807511-C-T. GRCh37 (hg19) VCF-style: chr10-101567268-C-T.
Other names: c.1658C>T (NM_000392.4); short protein forms T553I.
Identifiers: ClinVar variation 877964 (VCV000877964.34), dbSNP rs191954987, ClinGen allele CA5643241.